The following is an entry in ClinVar:

ClinVar aggregate classification (germline): Uncertain significance. Review status: criteria provided, multiple submitters, no conflicts (2 of 4 stars). 2 submissions from 2 submitters: Uncertain significance (2). Last evaluated 2023-02-23.

Conditions:
Charcot-Marie-Tooth disease dominant intermediate F. Identifiers: Orphanet 352670, MedGen C4749463, MONDO:0014074, OMIM 615185.

Allele frequency attached by ClinVar (database versions not stated): TOPMed below 0.00001; ExAC 0.00001; gnomAD 0.00001.
gnomAD v4.1: 4 of 1,602,716 alleles (0.00025%); highest among the groups gnomAD compares: Non-Finnish European, 0.00034%; no homozygotes.

Submissions (2):

3billion
Classification: Uncertain significance for Charcot-Marie-Tooth disease dominant intermediate F. Last evaluated: 2023-02-23. Review status: criteria provided, single submitter. Criteria: ACMG Guidelines, 2015. Collection method: clinical testing. Allele origin: unknown. Affected: yes.
Comment: The variant is not observed in the gnomAD v2.1.1 dataset. Missense changes are a common disease-causing mechanism. Therefore, this variant is classified as VUS according to the recommendation of ACMG/AMP guideline.

Labcorp Genetics (formerly Invitae), Labcorp
Classification: Uncertain significance for Charcot-Marie-Tooth disease dominant intermediate F. Last evaluated: 2022-08-10. Review status: criteria provided, single submitter. Criteria: Invitae Variant Classification Sherloc (09022015). Collection method: clinical testing. Allele origin: germline.
Comment: In summary, the available evidence is currently insufficient to determine the role of this variant in disease. Therefore, it has been classified as a Variant of Uncertain Significance. Algorithms developed to predict the effect of missense changes on protein structure and function are either unavailable or do not agree on the potential impact of this missense change (SIFT: "Deleterious"; PolyPhen-2: "Benign"; Align-GVGD: "Class C0"). ClinVar contains an entry for this variant (Variation ID: 1508235). This variant has not been reported in the literature in individuals affected with GNB4-related conditions. This variant is not present in population databases (gnomAD no frequency). This sequence change replaces arginine, which is basic and polar, with tryptophan, which is neutral and slightly polar, at codon 15 of the GNB4 protein (p.Arg15Trp).

NM_021629.4(GNB4):c.43C>T (p.Arg15Trp)

Gene: GNB4 (G protein subunit beta 4; minus strand). Cytogenetic location: 3q26.33.
Variant type: single nucleotide variant.
Coding change: c.43C>T on transcript NM_021629.4 (MANE Select); coding-DNA position 43, C replaced by T.
Protein change: p.Arg15Trp; replaces arginine 15 with tryptophan.
Molecular consequence: missense variant.
Genome position (GRCh38, 1-based): chr3:179,426,158, G>A on the plus strand (C>T on the coding strand, the complement: GNB4 is on the minus strand). VCF-style: chr3-179426158-G-A. GRCh37 (hg19) VCF-style: chr3-179143946-G-A.
Other names: short protein forms R15W.
Identifiers: ClinVar variation 1508235 (VCV001508235.9), dbSNP rs765056278, ClinGen allele CA2712634.